The following is an entry in ClinVar:

NM_000384.3(APOB):c.3968T>G (p.Phe1323Cys)

Gene: APOB (apolipoprotein B; minus strand). Cytogenetic location: 2p24.1.
Variant type: single nucleotide variant.
Coding change: c.3968T>G on transcript NM_000384.3 (MANE Select); coding-DNA position 3968, T replaced by G.
Protein change: p.Phe1323Cys; replaces phenylalanine 1323 with cysteine.
Molecular consequence: missense variant.
Genome position (GRCh38, 1-based): chr2:21,013,408, A>C on the plus strand (T>G on the coding strand, the complement: APOB is on the minus strand). VCF-style: chr2-21013408-A-C. GRCh37 (hg19) VCF-style: chr2-21236280-A-C.
Other names: short protein forms F1323C.
Identifiers: ClinVar variation 5017892 (VCV005017892.1).
Genomic context (GRCh38, chr2:21,013,408, plus strand): 5'-GGAATGGTAAAAGTAGGGACTTGGAACTCTCGAGATGGCAGATGGAATCCCACAGACTTG[A>C]AGTGGAGGGCTGGTGTCCTAACAGTCTCTAACATCTTTAGATCTCTGGAGGATTTGCCAC-3'
Protein context (NP_000375.3, residues 1313-1333): LETVRTPALH[Phe1323Cys]KSVGFHLPSR

ClinVar aggregate classification (germline): Uncertain significance (1 of 4 stars; one submission).

Submission:

GeneDx
Classification: Uncertain significance. Last evaluated: 2026-03-31. Review status: criteria provided, single submitter. Criteria: GeneDx Variant Classification Process June 2021. Collection method: clinical testing. Allele origin: germline.
Comment: Not observed at significant frequency in large population cohorts (gnomAD); In silico analysis supports that this missense variant has a deleterious effect on protein structure/function; Has not been previously published as pathogenic or benign to our knowledge; Also known as p.(F1296C)